The following is an entry in ClinVar:

NM_032383.5(HPS3):c.1102C>T (p.Gln368Ter)

Gene: HPS3 (HPS3 biogenesis of lysosomal organelles complex 2 subunit 1; plus strand). Cytogenetic location: 3q24.
Variant type: single nucleotide variant.
Coding change: c.1102C>T on transcript NM_032383.5 (MANE Select); coding-DNA position 1102, C replaced by T.
Protein change: p.Gln368Ter; replaces glutamine 368 with a stop codon.
Molecular consequence: nonsense.
Genome position (GRCh38, 1-based): chr3:149,145,485, C>T. VCF-style: chr3-149145485-C-T. GRCh37 (hg19) VCF-style: chr3-148863272-C-T.
Other names: c.1102C>T (NM_032383.4); c.607C>T, p.Gln203Ter (NM_001308258.2); short protein forms Q203*, Q368*.
Identifiers: ClinVar variation 3241747 (VCV003241747.2), dbSNP rs1349881223.
Genomic context (GRCh38, chr3:149,145,485, plus strand): 5'-TTACCTCATGTGGGCTATCTCTACATGGTTGTCAAATCTGTTGAATTGATGTCAGTCTAC[C>T]AGTATCCTGAAAAGTCTCAGCAGGCAGTACTCACGCCACAATTTTTGCACGTCATTACAA-3'

ClinVar aggregate classification (germline): Likely pathogenic. Review status: criteria provided, multiple submitters, no conflicts (2 of 4 stars). 2 submissions from 2 submitters: Likely pathogenic (2). Last evaluated 2024-10-16.

Conditions:
Hermansky-Pudlak syndrome (HPS). Also called: ALBINISM WITH HEMORRHAGIC DIATHESIS AND PIGMENTED RETICULOENDOTHELIAL CELLS. Identifiers: Orphanet 79430, MedGen C0079504, MONDO:0019312.
Hermansky-Pudlak syndrome 3 (HPS3). Identifiers: Orphanet 231512, Orphanet 79430, MedGen C3888001, MONDO:0013555, OMIM 614072.

Allele frequency attached by ClinVar (database versions not stated): TOPMed below 0.00001.

Submissions (2):

Natera, Inc.
Classification: Likely pathogenic for Hermansky-Pudlak syndrome. Last evaluated: 2024-10-16. Review status: criteria provided, single submitter. Criteria: Natera Variant Classification Schema (03/2026). Collection method: clinical testing. Allele origin: germline.
Comment: The c.1102C>T variant in HPS3 is a nonsense variant predicted to introduce a stop codon at amino acid 368. This variant is expected to result in nonsense mediated decay, truncation, or a dysfunctional protein product. This variant is rare in the general population with a frequency below the threshold expected for the associated phenotype(s). Given the available evidence, this variant is classified as Likely Pathogenic.

Baylor Genetics
Classification: Likely pathogenic for Hermansky-Pudlak syndrome 3. Last evaluated: 2024-02-26. Review status: criteria provided, single submitter. Criteria: ACMG Guidelines, 2015. Collection method: clinical testing. Allele origin: unknown.